The following is an entry in ClinVar:

ClinVar aggregate classification (germline): Uncertain significance (1 of 4 stars; one submission).

Conditions:
Hereditary cancer-predisposing syndrome. Also called: Hereditary neoplastic syndrome; Neoplastic Syndromes, Hereditary; Tumor predisposition; Hereditary Cancer Syndrome. Identifiers: Orphanet 140162, MedGen C0027672, MeSH D009386, MONDO:0015356.

Submission:

Ambry Genetics
Classification: Uncertain significance for Hereditary cancer-predisposing syndrome. Last evaluated: 2025-01-27. Review status: criteria provided, single submitter. Criteria: Ambry Variant Classification Scheme 2023. Collection method: clinical testing. Allele origin: germline.
Comment: The p.R545G variant (also known as c.1633C>G), located in coding exon 13 of the BAP1 gene, results from a C to G substitution at nucleotide position 1633. The arginine at codon 545 is replaced by glycine, an amino acid with dissimilar properties. This amino acid position is conserved. In addition, this alteration is predicted to be deleterious by in silico analysis. Based on the available evidence, the clinical significance of this variant remains unclear.

NM_004656.4(BAP1):c.1633C>G (p.Arg545Gly)

Gene: BAP1 (BRCA1 associated deubiquitinase 1; minus strand). Cytogenetic location: 3p21.1.
Variant type: single nucleotide variant.
Coding change: c.1633C>G on transcript NM_004656.4 (MANE Select); coding-DNA position 1633, C replaced by G.
Protein change: p.Arg545Gly; replaces arginine 545 with glycine.
Molecular consequence: missense variant.
Genome position (GRCh38, 1-based): chr3:52,403,512, G>C on the plus strand (C>G on the coding strand, the complement: BAP1 is on the minus strand). VCF-style: chr3-52403512-G-C. GRCh37 (hg19) VCF-style: chr3-52437528-G-C.
Other names: c.1579C>G, p.Arg527Gly (NM_001410772.1); short protein forms R527G, R545G.
Identifiers: ClinVar variation 3819144 (VCV003819144.1).
Genomic context (GRCh38, chr3:52,403,512, plus strand): 5'-CCAGGTGCAGCAGGCCTGTGCTGATGACAGGACCCAGATCACGGACAGCACGGTTGTAGC[G>C]TATGCAGTCAACACGCAGCAGGCTGTCATCCTCTCCAAAAAGCACCTTGGAGATGTGGGA-3'
Protein context (NP_004647.1, residues 535-555): DDSLLRVDCI[Arg545Gly]YNRAVRDLGP